The following is an entry in ClinVar:

NM_000535.7(PMS2):c.43A>C (p.Ile15Leu)

Gene: PMS2 (PMS1 homolog 2, mismatch repair system component; minus strand). Cytogenetic location: 7p22.1.
Variant type: single nucleotide variant.
Coding change: c.43A>C on transcript NM_000535.7 (MANE Select); coding-DNA position 43, A replaced by C.
Protein change: p.Ile15Leu; replaces isoleucine 15 with leucine.
Molecular consequence: missense variant. On other transcripts: 5 prime UTR variant (38), non-coding transcript variant (1), intron variant (7).
Genome position (GRCh38, 1-based): chr7:6,006,012, T>G on the plus strand (A>C on the coding strand, the complement: PMS2 is on the minus strand). VCF-style: chr7-6006012-T-G. GRCh37 (hg19) VCF-style: chr7-6045643-T-G.
Other names: c.-363A>C (NM_001018040.1, NM_001322003.2, NM_001322005.2 and 11 more transcripts); c.43A>C, p.Ile15Leu (NM_001322006.2, NM_001322014.2, NM_001406868.1 and 10 more transcripts); c.-173A>C (NM_001322007.2, NM_001406876.1, NM_001406883.1 and 4 more transcripts); c.-842A>C (NM_001322011.2, NM_001322012.2); c.-442A>C (NM_001322015.2, NM_001406875.1, NM_001406877.1 and 2 more transcripts); c.229A>C, p.Ile77Leu (NM_001406866.1); c.-389A>C (NM_001406880.1); c.-310A>C (NM_001406888.1, NM_001406889.1, NM_001406892.1 and 5 more transcripts); and 7 more; short protein forms I77L, I15L.
Identifiers: ClinVar variation 2774155 (VCV002774155.3), dbSNP rs878854051, ClinGen allele CA366745168.

ClinVar aggregate classification (germline): Uncertain significance. Review status: criteria provided, multiple submitters, no conflicts (2 of 4 stars). 2 submissions from 2 submitters: Uncertain significance (2). Last evaluated 2026-02-05.

Conditions:
Hereditary cancer-predisposing syndrome. Also called: Tumor predisposition; Hereditary Cancer Syndrome; Hereditary neoplastic syndrome; Neoplastic Syndromes, Hereditary. Identifiers: Orphanet 140162, MedGen C0027672, MeSH D009386, MONDO:0015356.

Submissions (2):

Ambry Genetics
Classification: Uncertain significance for Hereditary cancer-predisposing syndrome. Last evaluated: 2026-02-05. Review status: criteria provided, single submitter. Criteria: Ambry Variant Classification Scheme 2023. Collection method: clinical testing. Allele origin: germline.
Comment: The p.I15L variant (also known as c.43A>C), located in coding exon 2 of the PMS2 gene, results from an A to C substitution at nucleotide position 43. The isoleucine at codon 15 is replaced by leucine, an amino acid with highly similar properties. This amino acid position is highly conserved in available vertebrate species. In addition, this alteration is predicted to be deleterious by in silico analysis. Based on the available evidence, the clinical significance of this variant remains unclear.

Color Diagnostics, LLC DBA Color Health
Classification: Uncertain significance for Hereditary cancer-predisposing syndrome. Last evaluated: 2021-11-19. Review status: criteria provided, single submitter. Criteria: ACMG Guidelines, 2015. Collection method: clinical testing. Allele origin: germline.
Comment: This missense variant replaces isoleucine with leucine at codon 15 of the PMS2 protein. Computational prediction suggests that this variant may have deleterious impact on protein structure and function (internally defined REVEL score threshold >= 0.7, PMID: 27666373). To our knowledge, functional studies have not been reported for this variant. This variant has not been reported in individuals affected with hereditary cancer in the literature. This variant has not been identified in the general population by the Genome Aggregation Database (gnomAD). The available evidence is insufficient to determine the role of this variant in disease conclusively. Therefore, this variant is classified as a Variant of Uncertain Significance.